The following is an entry in ClinVar:

NM_198252.3(GSN):c.268G>A (p.Gly90Ser)

Gene: GSN (gelsolin; plus strand). Cytogenetic location: 9q33.2.
Variant type: single nucleotide variant.
Coding change: c.268G>A on transcript NM_198252.3 (MANE Select); coding-DNA position 268, G replaced by A.
Protein change: p.Gly90Ser; replaces glycine 90 with serine.
Molecular consequence: missense variant. On other transcripts: 5 prime UTR variant (1).
Genome position (GRCh38, 1-based): chr9:121,302,982, G>A. VCF-style: chr9-121302982-G-A. GRCh37 (hg19) VCF-style: chr9-124065260-G-A.
Other names: c.421G>A, p.Gly141Ser (NM_000177.5); c.268G>A, p.Gly90Ser (NM_001127662.2, NM_001127664.2, NM_001127665.2 and 10 more transcripts); c.376G>A, p.Gly126Ser (NM_001127663.2); c.301G>A, p.Gly101Ser (NM_001127666.2, NM_001127667.2, NM_001353063.2 and 13 more transcripts); c.319G>A, p.Gly107Ser (NM_001258029.2); c.292G>A, p.Gly98Ser (NM_001258030.2); c.340G>A, p.Gly114Ser (NM_001353076.2); c.-387G>A (NM_001353078.2); short protein forms G101S, G90S, G107S, G114S, G126S, G141S, G98S.
Identifiers: ClinVar variation 1738818 (VCV001738818.4), dbSNP rs750877079, ClinGen allele CA5220822.
Genomic context (GRCh38, chr9:121,302,982, plus strand): 5'-AGCCAGGATGAGAGCGGGGCGGCCGCCATCTTTACCGTGCAGCTGGATGACTACCTGAAC[G>A]GCCGGGCCGTGCAGCACCGTGAGGTCCAGGGCTTCGAGTCGGCCACCTTCCTAGGCTACT-3'
Protein context (NP_937895.1, residues 80-100): FTVQLDDYLN[Gly90Ser]RAVQHREVQG

ClinVar aggregate classification (germline): Uncertain significance. Review status: criteria provided, multiple submitters, no conflicts (2 of 4 stars). 2 submissions from 2 submitters: Uncertain significance (2). Last evaluated 2024-09-03.

Conditions:
Inborn genetic diseases. Identifiers: MedGen C0950123, MeSH D030342.
Finnish type amyloidosis. Also called: AMYLOIDOSIS, HEREDITARY SYSTEMIC 4, FINNISH TYPE; AMYLOID CRANIAL NEUROPATHY WITH LATTICE CORNEAL DYSTROPHY; AMYLOIDOSIS DUE TO MUTANT GELSOLIN; Lattice corneal dystrophy associated with familial systemic amyloidosis; Meretoja's syndrome; Lattice dystrophy of the cornea with hereditary generalized amyloidosis. Identifiers: Orphanet 85448, MedGen C1622345, MONDO:0007097, OMIM 105120.

Allele frequency attached by ClinVar (database versions not stated): ExAC 0.00001; TOPMed 0.00002; gnomAD 0.00003.
gnomAD v4.1: 13 of 1,613,860 alleles (0.00081%); highest among the groups gnomAD compares: African/African-American, 0.008%; no homozygotes.

Submissions (2):

Ambry Genetics
Classification: Uncertain significance for Inborn genetic diseases. Last evaluated: 2024-09-03. Review status: criteria provided, single submitter. Criteria: Ambry Variant Classification Scheme 2023. Collection method: clinical testing. Allele origin: germline.
Comment: The c.421G>A (p.G141S) alteration is located in exon 3 (coding exon 3) of the GSN gene. This alteration results from a G to A substitution at nucleotide position 421, causing the glycine (G) at amino acid position 141 to be replaced by a serine (S). The alteration is rare in population databases: Based on data from the Genome Aggregation Database (gnomAD), the c.421G>A alteration was observed in 0.001% (3/282,584) of total alleles studied. The altered amino acid is conserved throughout evolution: The p.G141 amino acid is conserved in available vertebrate species. The alteration is predicted deleterious by in silico models: The p.G141S alteration is predicted to be probably damaging by Polyphen and deleterious by SIFT in silico analyses. Based on insufficient or conflicting evidence, the clinical significance of this alteration remains unclear.

Fulgent Genetics
Classification: Uncertain significance for Finnish type amyloidosis. Last evaluated: 2024-05-20. Review status: criteria provided, single submitter. Criteria: ACMG Guidelines, 2015. Collection method: clinical testing. Allele origin: germline.